The following is an entry in ClinVar:

NM_001164508.2(NEB):c.9126C>T (p.Cys3042=)

Gene: NEB (nebulin; minus strand). Cytogenetic location: 2q23.3.
Variant type: single nucleotide variant.
Coding change: c.9126C>T on transcript NM_001164508.2 (MANE Select); coding-DNA position 9126, C replaced by T.
Protein change: p.Cys3042=; no amino-acid change (cysteine 3042 retained).
Molecular consequence: synonymous variant. On other transcripts: intron variant (1).
Genome position (GRCh38, 1-based): chr2:151,633,942, G>A on the plus strand (C>T on the coding strand, the complement: NEB is on the minus strand). VCF-style: chr2-151633942-G-A. GRCh37 (hg19) VCF-style: chr2-152490456-G-A.
Other names: c.9126C>T, p.Cys3042= (NM_001164507.2, NM_001271208.2); c.8854-2764C>T (NM_004543.5).
Identifiers: ClinVar variation 465648 (VCV000465648.10), dbSNP rs373453206, ClinGen allele CA1909401.

ClinVar aggregate classification (germline): Likely benign. Review status: criteria provided, single submitter (1 of 4 stars). 2 submissions from 2 submitters: Likely benign (1). 1 of the submissions does not count toward it. Last evaluated 2026-02-04.

Conditions:
NEB-related disorder. Also called: NEB-related condition; NEB-Related Disorders.
Nemaline myopathy 2 (NEM2). Also called: Nemaline myopathy 2, autosomal recessive. Identifiers: MedGen C1850569, MONDO:0009725, OMIM 256030.

Allele frequency attached by ClinVar (database versions not stated): ExAC 0.00017; ESP Exome Variant Server 0.00022; gnomAD exomes 0.00024 and 0.00041; gnomAD 0.00026 and 0.00028; TOPMed 0.00032.
gnomAD v4.1: 646 of 1,613,232 alleles (0.04%); highest among the groups gnomAD compares: Non-Finnish European, 0.049%; 1 homozygote.

Submissions (2):

Labcorp Genetics (formerly Invitae), Labcorp
Classification: Likely benign for Nemaline myopathy 2. Last evaluated: 2026-02-04. Review status: criteria provided, single submitter. Criteria: Invitae Variant Classification Sherloc (09022015). Collection method: clinical testing. Allele origin: germline.

PreventionGenetics, part of Exact Sciences
Classification: Likely benign for NEB-related condition. Last evaluated: 2024-02-13. Review status: no assertion criteria provided. Collection method: clinical testing. Allele origin: germline. Not counted in ClinVar's aggregate classification.
Comment: This variant is classified as likely benign based on ACMG/AMP sequence variant interpretation guidelines (Richards et al. 2015 PMID: 25741868, with internal and published modifications).